The following is an entry in ClinVar:

NM_007294.4(BRCA1):c.2604A>C (p.Ser868=)

Gene: BRCA1 (BRCA1 DNA repair associated; minus strand). Cytogenetic location: 17q21.31.
Variant type: single nucleotide variant.
Coding change: c.2604A>C on transcript NM_007294.4 (MANE Select); coding-DNA position 2604, A replaced by C.
Protein change: p.Ser868=; no amino-acid change (serine 868 retained).
Molecular consequence: synonymous variant. On other transcripts: intron variant (137).
Genome position (GRCh38, 1-based): chr17:43,092,927, T>G on the plus strand (A>C on the coding strand, the complement: BRCA1 is on the minus strand). VCF-style: chr17-43092927-T-G. GRCh37 (hg19) VCF-style: chr17-41244944-T-G.
Other names: c.2391A>C, p.Ser797= (NM_001407571.1, NM_001407853.1, NM_001407894.1 and 9 more transcripts); c.2604A>C, p.Ser868= (NM_001407581.1, NM_001407582.1, NM_001407583.1 and 30 more transcripts); c.2601A>C, p.Ser867= (NM_001407587.1, NM_001407590.1, NM_001407591.1 and 22 more transcripts); c.461-1895A>C (NM_001408506.1, NM_001408507.1); c.577+1817A>C (NM_001408481.1, NM_001408480.1, NM_001408492.1 and 9 more transcripts); c.778+1817A>C (NM_001408408.1); c.661+1817A>C (NM_001408446.1, NM_001408435.1, NM_001408448.1 and 6 more transcripts); c.784+1817A>C (NM_001408401.1, NM_001408396.1, NM_001407985.1 and 13 more transcripts); and 41 more.
Identifiers: ClinVar variation 220359 (VCV000220359.21), dbSNP rs864622491, ClinGen allele CA350117.

ClinVar aggregate classification (germline): Likely benign. Review status: reviewed by expert panel (3 of 4 stars). 5 submissions from 5 submitters: Likely benign (1). 4 of the submissions do not count toward it. Last evaluated 2017-06-29.

Conditions:
Hereditary breast ovarian cancer syndrome. Also called: Breast and ovarian cancer; Hereditary breast and ovarian cancer; Hereditary breast and ovarian cancer syndrome; Hereditary breast and/or ovarian cancer syndrome; BRCA1- and BRCA2-Associated Hereditary Breast and Ovarian Cancer; Hereditary breast and ovarian cancer syndrome (HBOC). Identifiers: Orphanet 145, MedGen C0677776, MeSH D061325, MONDO:0003582. Disease mechanism: loss of function.
Hereditary cancer-predisposing syndrome. Also called: Tumor predisposition; Hereditary Cancer Syndrome; Neoplastic Syndromes, Hereditary; Hereditary neoplastic syndrome. Identifiers: Orphanet 140162, MedGen C0027672, MeSH D009386, MONDO:0015356.
Breast-ovarian cancer, familial, susceptibility to, 1 (BROVCA1). Also called: BRCA1 Hereditary Breast and Ovarian Cancer; OVARIAN CANCER, SUSCEPTIBILITY TO. Identifiers: Orphanet 145, MedGen C2676676, MONDO:0011450, OMIM 604370. Disease mechanism: loss of function.

Allele frequency attached by ClinVar (database versions not stated): gnomAD exomes below 0.00001.

Submissions (5):

Evidence-based Network for the Interpretation of Germline Mutant Alleles (ENIGMA)
Classification: Likely benign for Breast-ovarian cancer, familial, susceptibility to, 1. Last evaluated: 2017-06-29. Review status: reviewed by expert panel. Criteria: ENIGMA BRCA1/2 Classification Criteria (2017-06-29). Collection method: curation. Allele origin: germline.
Comment: Synonymous substitution variant, with low bioinformatic likelihood to result in a splicing aberration (Splicing prior probability 0.02).

All of Us Research Program, National Institutes of Health
Classification: Likely benign for Breast-ovarian cancer, familial, susceptibility to, 1. Last evaluated: 2023-12-01. Review status: criteria provided, single submitter. Criteria: ACMG Guidelines, 2015. Collection method: clinical testing. Allele origin: germline. Inheritance: Autosomal dominant inheritance. Observed: 1 variant allele, 1 heterozygote. Not counted in ClinVar's aggregate classification.
Comment: This study involves interpretation of variants in research participants for the purpose of population health screening. Participant phenotype was not available at the time of variant classification. Additional details can be found in publication PMID: 35346344, PMCID: PMC8962531

Labcorp Genetics (formerly Invitae), Labcorp
Classification: Likely benign for Hereditary breast ovarian cancer syndrome. Last evaluated: 2022-02-17. Review status: criteria provided, single submitter. Criteria: Invitae Variant Classification Sherloc (09022015). Collection method: clinical testing. Allele origin: germline. Not counted in ClinVar's aggregate classification.

Color Diagnostics, LLC DBA Color Health
Classification: Likely benign for Hereditary cancer-predisposing syndrome. Last evaluated: 2021-03-12. Review status: criteria provided, single submitter. Criteria: ACMG Guidelines, 2015. Collection method: clinical testing. Allele origin: germline. Not counted in ClinVar's aggregate classification.

Ambry Genetics
Classification: Likely benign for Hereditary cancer-predisposing syndrome. Last evaluated: 2017-01-16. Review status: criteria provided, single submitter. Criteria: Ambry Variant Classification Scheme 2023. Collection method: clinical testing. Allele origin: germline. Not counted in ClinVar's aggregate classification.